The following is an entry in ClinVar:

NC_000006.12:g.(?_64902103)_(64945924_?)del

Gene: EYS (eyes shut homolog; minus strand). Cytogenetic location: 6q12.
Variant type: Deletion.
Identifiers: ClinVar variation 640456 (VCV000640456.6).

ClinVar aggregate classification (germline): Pathogenic (1 of 4 stars; one submission).

Submission:

Labcorp Genetics (formerly Invitae), Labcorp
Classification: Pathogenic. Last evaluated: 2022-10-27. Review status: criteria provided, single submitter. Criteria: Invitae Variant Classification Sherloc (09022015). Collection method: clinical testing. Allele origin: germline.
Comment: This variant is a gross deletion of the genomic region encompassing exon(s) 15-18 of the EYS gene. This deletion is out-of-frame, and is expected to create a premature termination codon and result in an absent or disrupted protein product. Loss-of-function variants in EYS are known to be pathogenic (PMID: 18836446, 20333770). A similar copy number variant has been observed in individuals with retinitis pigmentosa (PMID: 27735924, 28704921). For these reasons, this variant has been classified as Pathogenic.

Literature cited by the submitters: PubMed 18836446; PubMed 20333770; PubMed 27735924; PubMed 28704921.